The following is an entry in ClinVar:

ClinVar aggregate classification (germline): Conflicting classifications of pathogenicity. Review status: criteria provided, conflicting classifications (1 of 4 stars). 9 submissions from 9 submitters: Pathogenic (4); Likely pathogenic (3); Uncertain significance (1). 1 of the submissions does not count toward it. Last evaluated 2025-09-02.

Conditions:
Medium-chain acyl-coenzyme A dehydrogenase deficiency (ACADMD). Also called: MCADD; MCAD Deficiency; CARNITINE DEFICIENCY SECONDARY TO MEDIUM-CHAIN ACYL-CoA DEHYDROGENASE DEFICIENCY; ACADM DEFICIENCY; MCADH DEFICIENCY; Medium chain acyl-CoA dehydrogenase deficiency. Identifiers: Orphanet 42, MedGen C0220710, MONDO:0008721, OMIM 201450.

Allele frequency attached by ClinVar (database versions not stated): TOPMed below 0.00001; ExAC 0.00001; gnomAD 0.00001; gnomAD exomes 0.00001 and 0.00002.
gnomAD v4.1: 24 of 1,614,008 alleles (0.0015%); highest among the groups gnomAD compares: Non-Finnish European, 0.0019%; no homozygotes.

Submissions (9):

Natera, Inc.
Classification: Pathogenic for Medium Chain Acyl-CoA Dehydrogenase Deficiency. Last evaluated: 2025-09-02. Review status: criteria provided, single submitter. Criteria: Natera Variant Classification Schema (03/2026). Collection method: clinical testing. Allele origin: germline.
Comment: The c.320T>C variant in ACADM is a missense variant predicted to cause substitution of leucine to serine at amino acid 107. This variant is rare in the general population with a frequency below the threshold expected for the associated phenotype(s). This variant has been observed in one or more individuals affected with the associated recessive disease, as either homozygous or compound heterozygous with a second variant (PMID: 20036593, 18450854, 20434380, 36840705). Computational prediction algorithms indicate this variant is likely to affect gene or protein function. Given the available evidence, this variant is classified as Pathogenic.

Labcorp Genetics (formerly Invitae), Labcorp
Classification: Pathogenic for Medium-chain acyl-coenzyme A dehydrogenase deficiency. Last evaluated: 2025-03-19. Review status: criteria provided, single submitter. Criteria: Invitae Variant Classification Sherloc (09022015). Collection method: clinical testing. Allele origin: germline.
Comment: This sequence change replaces leucine, which is neutral and non-polar, with serine, which is neutral and polar, at codon 107 of the ACADM protein (p.Leu107Ser). This variant is present in population databases (rs746136472, gnomAD 0.003%). This missense change has been observed in individual(s) with medium-chain acyl-CoA dehydrogenasedeficiency (PMID: 15171998, 18450854, 20036593, 20434380). This variant is also known as p.Leu82Ser. ClinVar contains an entry for this variant (Variation ID: 197615). Invitae Evidence Modeling of protein sequence and biophysical properties (such as structural, functional, and spatial information, amino acid conservation, physicochemical variation, residue mobility, and thermodynamic stability) indicates that this missense variant is not expected to disrupt ACADM protein function with a negative predictive value of 80%. For these reasons, this variant has been classified as Pathogenic.

Fulgent Genetics
Classification: Likely pathogenic for Medium-chain acyl-coenzyme A dehydrogenase deficiency. Last evaluated: 2023-12-21. Review status: criteria provided, single submitter. Criteria: ACMG Guidelines, 2015. Collection method: clinical testing. Allele origin: germline.

Baylor Genetics
Classification: Pathogenic for Medium-chain acyl-coenzyme A dehydrogenase deficiency. Last evaluated: 2023-07-20. Review status: criteria provided, single submitter. Criteria: ACMG Guidelines, 2015. Collection method: clinical testing. Allele origin: unknown.

Women's Health and Genetics/Laboratory Corporation of America, LabCorp
Classification: Likely pathogenic for Medium-chain acyl-coenzyme A dehydrogenase deficiency. Last evaluated: 2023-05-18. Review status: criteria provided, single submitter. Criteria: LabCorp Variant Classification Summary - May 2015. Collection method: clinical testing. Allele origin: germline.
Comment: Variant summary: ACADM c.320T>C (p.Leu107Ser) results in a non-conservative amino acid change located in the Acyl-CoA dehydrogenase/oxidase, N-terminal domain (IPR013786) of the encoded protein sequence. Five of five in-silico tools predict a damaging effect of the variant on protein function. The variant allele was found at a frequency of 1.2e-05 in 251430 control chromosomes (gnomAD). c.320T>C has been reported in the literature in individuals affected with Medium Chain Acyl-CoA Dehydrogenase Deficiency (examples: Arnold_2010, Smith_2010, Hsu_2008, McKinney_2004). These data indicate that the variant is likely to be associated with disease. The following publications have been ascertained in the context of this evaluation (PMID: 20036593, 20434380, 15171998, 18450854). Four clinical diagnostic laboratories have submitted clinical-significance assessments for this variant to ClinVar after 2014and all classified the variant as pathogenic/likely pathogenic. Based on the evidence outlined above, the variant was classified as likely pathogenic.

Department of Pathology and Laboratory Medicine, Sinai Health System
Classification: Likely pathogenic for medium chain acyl-CoA dehydrogenase deficiency. Last evaluated: 2021-07-30. Review status: criteria provided, single submitter. Criteria: ACMG Guidelines, 2015. Collection method: research. Allele origin: germline.

Elsea Laboratory, Baylor College of Medicine
Classification: Pathogenic for Medium-chain acyl-coenzyme A dehydrogenase deficiency. Last evaluated: 2020-04-01. Review status: criteria provided, single submitter. Criteria: ACMG Guidelines, 2015. Collection method: clinical testing. Allele origin: maternal. Affected: no.

Eurofins Ntd Llc (ga)
Classification: Uncertain significance. Last evaluated: 2014-05-14. Review status: criteria provided, single submitter. Criteria: EGL Classification Definitions 2015. Collection method: clinical testing. Allele origin: germline. Observed: 1 variant allele, 1 heterozygote.

Counsyl
Classification: Likely pathogenic for Medium-chain acyl-coenzyme A dehydrogenase deficiency. Last evaluated: 2017-05-24. Review status: no assertion criteria provided. Collection method: clinical testing. Allele origin: unknown. Not counted in ClinVar's aggregate classification.

Literature cited by the submitters: PubMed 20036593 (cited by 4 submitters); PubMed 18450854 (cited by 4 submitters); PubMed 20434380 (cited by 4 submitters); PubMed 36840705 (cited by Natera, Inc.); PubMed 15171998 (cited by 3 submitters).

NM_000016.6(ACADM):c.320T>C (p.Leu107Ser)

Gene: ACADM (acyl-CoA dehydrogenase medium chain; plus strand). Cytogenetic location: 1p31.1.
Variant type: single nucleotide variant.
Coding change: c.320T>C on transcript NM_000016.6 (MANE Select); coding-DNA position 320, T replaced by C.
Protein change: p.Leu107Ser; replaces leucine 107 with serine.
Molecular consequence: missense variant. On other transcripts: intron variant (1).
Genome position (GRCh38, 1-based): chr1:75,733,561, T>C. VCF-style: chr1-75733561-T-C. GRCh37 (hg19) VCF-style: chr1-76199246-T-C.
Other names: c.332T>C, p.Leu111Ser (NM_001127328.3); c.212T>C, p.Leu71Ser (NM_001286042.2); c.419T>C, p.Leu140Ser (NM_001286043.2); c.-100+639T>C (NM_001286044.2); c.320T>C (NM_000016.5); short protein forms L111S, L107S, L140S, L71S.
Identifiers: ClinVar variation 197615 (VCV000197615.21), dbSNP rs746136472, ClinGen allele CA245876.